The following is an entry in ClinVar:

NM_001197104.2(KMT2A):c.4039G>A (p.Val1347Met)

Gene: KMT2A (lysine methyltransferase 2A; plus strand). Cytogenetic location: 11q23.3.
Variant type: single nucleotide variant.
Coding change: c.4039G>A on transcript NM_001197104.2 (MANE Select); coding-DNA position 4039, G replaced by A.
Protein change: p.Val1347Met; replaces valine 1347 with methionine.
Molecular consequence: missense variant.
Genome position (GRCh38, 1-based): chr11:118,482,448, G>A. VCF-style: chr11-118482448-G-A. GRCh37 (hg19) VCF-style: chr11-118353163-G-A.
Other names: c.4138G>A, p.Val1380Met (NM_001412597.1); c.4039G>A, p.Val1347Met (NM_005933.4); short protein forms V1347M, V1380M.
Identifiers: ClinVar variation 1722216 (VCV001722216.5), dbSNP rs2134303541, ClinGen allele CA382828896.

ClinVar aggregate classification (germline): Uncertain significance (1 of 4 stars; one submission).

Submission:

Labcorp Genetics (formerly Invitae), Labcorp
Classification: Uncertain significance. Last evaluated: 2022-10-26. Review status: criteria provided, single submitter. Criteria: Invitae Variant Classification Sherloc (09022015). Collection method: clinical testing. Allele origin: germline.
Comment: In summary, the available evidence is currently insufficient to determine the role of this variant in disease. Therefore, it has been classified as a Variant of Uncertain Significance. Advanced modeling of protein sequence and biophysical properties (such as structural, functional, and spatial information, amino acid conservation, physicochemical variation, residue mobility, and thermodynamic stability) performed at Invitae indicates that this missense variant is not expected to disrupt KMT2A protein function. This variant has not been reported in the literature in individuals affected with KMT2A-related conditions. This variant is not present in population databases (gnomAD no frequency). This sequence change replaces valine, which is neutral and non-polar, with methionine, which is neutral and non-polar, at codon 1347 of the KMT2A protein (p.Val1347Met).